The following is an entry in ClinVar:

ClinVar aggregate classification (germline): Uncertain significance (1 of 4 stars; one submission).

Allele frequency attached by ClinVar (database versions not stated): gnomAD 0.00001; TOPMed 0.00002.
gnomAD v4.1: 1 of 1,610,990 alleles (0.000062%); highest among the groups gnomAD compares: Admixed American, 0.0017%; no homozygotes.

Submission:

Labcorp Genetics (formerly Invitae), Labcorp
Classification: Uncertain significance. Last evaluated: 2022-03-20. Review status: criteria provided, single submitter. Criteria: Invitae Variant Classification Sherloc (09022015). Collection method: clinical testing. Allele origin: germline.
Comment: This sequence change replaces proline, which is neutral and non-polar, with threonine, which is neutral and polar, at codon 325 of the PIGB protein (p.Pro325Thr). This variant is not present in population databases (gnomAD no frequency). This variant has not been reported in the literature in individuals affected with PIGB-related conditions. Algorithms developed to predict the effect of missense changes on protein structure and function are either unavailable or do not agree on the potential impact of this missense change (SIFT: "Tolerated"; PolyPhen-2: "Probably Damaging"; Align-GVGD: "Class C0"). In summary, the available evidence is currently insufficient to determine the role of this variant in disease. Therefore, it has been classified as a Variant of Uncertain Significance.

NM_004855.5(PIGB):c.973C>A (p.Pro325Thr)

Gene: PIGB (phosphatidylinositol glycan anchor biosynthesis class B; plus strand). Cytogenetic location: 15q21.3.
Variant type: single nucleotide variant.
Coding change: c.973C>A on transcript NM_004855.5 (MANE Select); coding-DNA position 973, C replaced by A.
Protein change: p.Pro325Thr; replaces proline 325 with threonine.
Molecular consequence: missense variant.
Genome position (GRCh38, 1-based): chr15:55,340,738, C>A. VCF-style: chr15-55340738-C-A. GRCh37 (hg19) VCF-style: chr15-55632936-C-A.
Other names: short protein forms P325T.
Identifiers: ClinVar variation 1929792 (VCV001929792.2), dbSNP rs755430337, ClinGen allele CA392543035.